The following is an entry in ClinVar:

ClinVar aggregate classification (germline): Pathogenic. Review status: criteria provided, multiple submitters, no conflicts (2 of 4 stars). 3 submissions from 3 submitters: Pathogenic (2). 1 of the submissions does not count toward it. Last evaluated 2024-01-15.

Conditions:
Hereditary factor IX deficiency disease (HEMB). Also called: Hemophilia B; PLASMA THROMBOPLASTIN COMPONENT DEFICIENCY; Christmas Disease; F9 DEFICIENCY; FACTOR IX DEFICIENCY. Identifiers: Orphanet 98879, MedGen C0008533, MeSH D002836, MONDO:0010604, OMIM 306900.
Thrombophilia, X-linked, due to factor 9 defect. Identifiers: MedGen C2749016, MONDO:0010432, OMIM 300807.

Allele frequency attached by ClinVar (database versions not stated): TOPMed 0.00002.

Submissions (3):

Labcorp Genetics (formerly Invitae), Labcorp
Classification: Pathogenic for Thrombophilia, X-linked, due to factor 9 defect; Hereditary factor IX deficiency disease. Last evaluated: 2024-01-15. Review status: criteria provided, single submitter. Criteria: Invitae Variant Classification Sherloc (09022015). Collection method: clinical testing. Allele origin: germline.
Comment: This sequence change affects an acceptor splice site in intron 7 of the F9 gene. While this variant is not anticipated to result in nonsense mediated decay, it likely alters RNA splicing and results in a disrupted protein product. This variant is not present in population databases (gnomAD no frequency). Disruption of this splice site has been observed in individuals with Hemophilia B (PMID: 2020563, 2212858, 30817051; Invitae). ClinVar contains an entry for this variant (Variation ID: 1331043). Variants that disrupt the consensus splice site are a relatively common cause of aberrant splicing (PMID: 17576681, 9536098). Algorithms developed to predict the effect of sequence changes on RNA splicing suggest that this variant may disrupt the consensus splice site. For these reasons, this variant has been classified as Pathogenic.

ARUP Laboratories, Molecular Genetics and Genomics, ARUP Laboratories
Classification: Pathogenic. Last evaluated: 2021-07-01. Review status: criteria provided, single submitter. Criteria: ARUP Molecular Germline Variant Investigation Process 2021. Collection method: clinical testing. Allele origin: germline.
Comment: The F9 c.839-1G>A variant (rs1439169192) is reported in the literature in multiple individuals affected with severe hemophilia B (see factor VI and references therein). This variant is absent from the Genome Aggregation Database, indicating it is not a common polymorphism. This variant disrupts the canonical splice acceptor site of intron seven, which is likely to negatively impact gene function. Based on available information, this variant is considered to be pathogenic References: Link to Factor VI database

OMIM
Classification: Pathogenic for HEMOPHILIA B. Last evaluated: 2013-09-11. Review status: no assertion criteria provided. Collection method: literature only. Allele origin: germline. Not counted in ClinVar's aggregate classification.

Literature cited by the submitters: PubMed 2020563 (cited by Labcorp Genetics (formerly Invitae), Labcorp); PubMed 2212858 (cited by Labcorp Genetics (formerly Invitae), Labcorp); PubMed 30817051 (cited by Labcorp Genetics (formerly Invitae), Labcorp); PubMed 17576681 (cited by Labcorp Genetics (formerly Invitae), Labcorp); PubMed 9536098 (cited by Labcorp Genetics (formerly Invitae), Labcorp); Matsushita, T., Tanimoto, M., Yamamoto, K., Sugiura, I., Hamaguchi, M., Takamatsu, J., Saito, H. Nucleotide sequence analysis of hemophilia B with the inhibitor phenotype. (Abstract) Blood 74: 251A, 1989. (cited by OMIM).

NM_000133.4(F9):c.839-1G>A

Gene: F9 (coagulation factor IX; plus strand). Cytogenetic location: Xq27.1.
Variant type: single nucleotide variant.
Coding change: c.839-1G>A on transcript NM_000133.4 (MANE Select); the canonical splice acceptor site of the intron before coding-DNA position 839, G replaced by A.
Molecular consequence: splice acceptor variant.
Genome position (GRCh38, 1-based): chrX:139,561,523, G>A. VCF-style: chrX-139561523-G-A. GRCh37 (hg19) VCF-style: chrX-138643682-G-A.
Other names: F9, IVS7AS, G-A; IVS7AS, G-A; c.725-1G>A (NM_001313913.2).
Identifiers: ClinVar variation 1331043 (VCV001331043.11), dbSNP rs1439169192, ClinGen allele CA414444394.